The following is an entry in ClinVar:

NM_030665.4(RAI1):c.3254G>T (p.Gly1085Val)

Gene: RAI1 (retinoic acid induced 1; plus strand). Cytogenetic location: 17p11.2.
Variant type: single nucleotide variant.
Coding change: c.3254G>T on transcript NM_030665.4 (MANE Select); coding-DNA position 3254, G replaced by T.
Protein change: p.Gly1085Val; replaces glycine 1085 with valine.
Molecular consequence: missense variant.
Genome position (GRCh38, 1-based): chr17:17,796,202, G>T. VCF-style: chr17-17796202-G-T. GRCh37 (hg19) VCF-style: chr17-17699516-G-T.
Other names: c.3254G>T (NM_030665.3); short protein forms G1085V.
Identifiers: ClinVar variation 2906829 (VCV002906829.4), dbSNP rs756454905, ClinGen allele CA8418693.
Genomic context (GRCh38, chr17:17,796,202, plus strand): 5'-AGCCCCGCACGCCCGGACCCCCAGGCCTGACCACCACCCCTGCACCCCCAGACAAACTGG[G>T]GGGCAAGCAGCGAGCCGCCTTCAAGTCGGGCAAGCGGGTGGGGAAGCCCTCACCCAAGGC-3'
Protein context (NP_109590.3, residues 1075-1095): TTTPAPPDKL[Gly1085Val]GKQRAAFKSG

ClinVar aggregate classification (germline): Uncertain significance. Review status: criteria provided, multiple submitters, no conflicts (2 of 4 stars). 2 submissions from 2 submitters: Uncertain significance (2). Last evaluated 2025-02-14.

Conditions:
Inborn genetic diseases. Identifiers: MedGen C0950123, MeSH D030342.

Submissions (2):

Ambry Genetics
Classification: Uncertain significance for Inborn genetic diseases. Last evaluated: 2025-02-14. Review status: criteria provided, single submitter. Criteria: Ambry Variant Classification Scheme 2023. Collection method: clinical testing. Allele origin: germline.

Labcorp Genetics (formerly Invitae), Labcorp
Classification: Uncertain significance. Last evaluated: 2024-02-06. Review status: criteria provided, single submitter. Criteria: Invitae Variant Classification Sherloc (09022015). Collection method: clinical testing. Allele origin: germline.
Comment: This sequence change replaces glycine, which is neutral and non-polar, with valine, which is neutral and non-polar, at codon 1085 of the RAI1 protein (p.Gly1085Val). The frequency data for this variant in the population databases is considered unreliable, as metrics indicate poor data quality at this position in the gnomAD database. This variant has not been reported in the literature in individuals affected with RAI1-related conditions. Advanced modeling of protein sequence and biophysical properties (such as structural, functional, and spatial information, amino acid conservation, physicochemical variation, residue mobility, and thermodynamic stability) has been performed at Invitae for this missense variant, however the output from this modeling did not meet the statistical confidence thresholds required to predict the impact of this variant on RAI1 protein function. In summary, the available evidence is currently insufficient to determine the role of this variant in disease. Therefore, it has been classified as a Variant of Uncertain Significance.